The following is an entry in ClinVar:

NM_177438.3(DICER1):c.3990T>C (p.Tyr1330=)

Gene: DICER1 (dicer 1, ribonuclease III; minus strand). Cytogenetic location: 14q32.13.
Variant type: single nucleotide variant.
Coding change: c.3990T>C on transcript NM_177438.3 (MANE Select); coding-DNA position 3990, T replaced by C.
Protein change: p.Tyr1330=; no amino-acid change (tyrosine 1330 retained).
Molecular consequence: synonymous variant.
Genome position (GRCh38, 1-based): chr14:95,103,406, A>G on the plus strand (T>C on the coding strand, the complement: DICER1 is on the minus strand). VCF-style: chr14-95103406-A-G. GRCh37 (hg19) VCF-style: chr14-95569743-A-G.
Other names: c.3990T>C, p.Tyr1330= (NM_001195573.1, NM_001271282.3, NM_001291628.2 and 1 more transcripts).
Identifiers: ClinVar variation 477172 (VCV000477172.19), dbSNP rs202227142, ClinGen allele CA7330964.

ClinVar aggregate classification (germline): Benign/Likely benign. Review status: criteria provided, multiple submitters, no conflicts (2 of 4 stars). 6 submissions from 6 submitters: Benign (1); Likely benign (4). 1 of the submissions does not count toward it. Last evaluated 2026-04-17.

Conditions:
DICER1-related tumor predisposition. Also called: DICER1 syndrome; DICER1-related pleuropulmonary blastoma cancer predisposition syndrome. Identifiers: Orphanet 284343, MedGen C3839822, MONDO:0100216.
DICER1-related disorder. Also called: DICER1-related condition.
Hereditary cancer-predisposing syndrome. Also called: Tumor predisposition; Hereditary Cancer Syndrome; Neoplastic Syndromes, Hereditary; Hereditary neoplastic syndrome. Identifiers: Orphanet 140162, MedGen C0027672, MeSH D009386, MONDO:0015356.

Allele frequency attached by ClinVar (database versions not stated): gnomAD exomes 0.00001 and 0.00002; ExAC 0.00002; gnomAD 0.00002 and 0.00003; TOPMed 0.00002; 1000 Genomes Project 30x 0.00016; 1000 Genomes Project 0.00020.
gnomAD v4.1: 18 of 1,614,160 alleles (0.0011%); highest among the groups gnomAD compares: Admixed American, 0.0083%; 1 homozygote.

Submissions (6):

Myriad Genetics, Inc.
Classification: Benign for DICER1-related tumor predisposition. Last evaluated: 2026-04-17. Review status: criteria provided, single submitter. Criteria: Myriad Autosomal Dominant, Autosomal Recessive and X-Linked Classification Criteria (2023). Collection method: clinical testing. Allele origin: unknown.
Comment: This variant is considered benign. This variant is a silent/synonymous amino acid change and it is not expected to impact splicing.

Labcorp Genetics (formerly Invitae), Labcorp
Classification: Likely benign for DICER1-related tumor predisposition. Last evaluated: 2025-10-28. Review status: criteria provided, single submitter. Criteria: Invitae Variant Classification Sherloc (09022015). Collection method: clinical testing. Allele origin: germline.

Quest Diagnostics Nichols Institute San Juan Capistrano
Classification: Likely benign. Last evaluated: 2025-06-11. Review status: criteria provided, single submitter. Criteria: Quest Diagnostics criteria. Collection method: clinical testing. Allele origin: unknown.

Blueprint Genetics
Classification: Likely benign. Last evaluated: 2024-06-05. Review status: criteria provided, single submitter. Criteria: ACMG Guidelines, 2015. Collection method: clinical testing. Allele origin: germline.

Ambry Genetics
Classification: Likely benign for Hereditary cancer-predisposing syndrome. Last evaluated: 2019-09-19. Review status: criteria provided, single submitter. Criteria: Ambry Variant Classification Scheme 2023. Collection method: clinical testing. Allele origin: germline.

PreventionGenetics, part of Exact Sciences
Classification: Likely benign for DICER1-related condition. Last evaluated: 2024-08-11. Review status: no assertion criteria provided. Collection method: clinical testing. Allele origin: germline. Not counted in ClinVar's aggregate classification.
Comment: This variant is classified as likely benign based on ACMG/AMP sequence variant interpretation guidelines (Richards et al. 2015 PMID: 25741868, with internal and published modifications).